The following is an entry in ClinVar:

NM_032043.3(BRIP1):c.800C>T (p.Ala267Val)

Gene: BRIP1 (BRCA1 interacting DNA helicase 1; minus strand). Cytogenetic location: 17q23.2.
Variant type: single nucleotide variant.
Coding change: c.800C>T on transcript NM_032043.3 (MANE Select); coding-DNA position 800, C replaced by T.
Protein change: p.Ala267Val; replaces alanine 267 with valine.
Molecular consequence: missense variant.
Genome position (GRCh38, 1-based): chr17:61,808,585, G>A on the plus strand (C>T on the coding strand, the complement: BRIP1 is on the minus strand). VCF-style: chr17-61808585-G-A. GRCh37 (hg19) VCF-style: chr17-59885946-G-A.
Other names: p.A267V:GCA>GTA; short protein forms A267V.
Identifiers: ClinVar variation 182342 (VCV000182342.15), dbSNP rs730881631, ClinGen allele CA298860.

ClinVar aggregate classification (germline): Uncertain significance. Review status: criteria provided, multiple submitters, no conflicts (2 of 4 stars). 4 submissions from 4 submitters: Uncertain significance (4). Last evaluated 2025-07-25.

Conditions:
Hereditary cancer-predisposing syndrome. Also called: Tumor predisposition; Hereditary Cancer Syndrome; Hereditary neoplastic syndrome; Neoplastic Syndromes, Hereditary. Identifiers: Orphanet 140162, MedGen C0027672, MeSH D009386, MONDO:0015356.
Familial cancer of breast. Also called: BREAST CANCER, FAMILIAL; hereditary breast carcinoma; Hereditary breast cancer. Identifiers: Orphanet 227535, MedGen C0346153, MONDO:0016419, OMIM 114480. Disease mechanism: loss of function.
Fanconi anemia complementation group J. Also called: BRIP1-Related Fanconi Anemia. Identifiers: Orphanet 84, MedGen C1836860, MONDO:0012187, OMIM 609054.

Submissions (4):

Ambry Genetics
Classification: Uncertain significance for Hereditary cancer-predisposing syndrome. Last evaluated: 2025-07-25. Review status: criteria provided, single submitter. Criteria: Ambry Variant Classification Scheme 2023. Collection method: clinical testing. Allele origin: germline.
Comment: The p.A267V variant (also known as c.800C>T), located in coding exon 6 of the BRIP1 gene, results from a C to T substitution at nucleotide position 800. The alanine at codon 267 is replaced by valine, an amino acid with similar properties. This amino acid position is conserved. In addition, this alteration is predicted to be tolerated by in silico analysis. Based on the available evidence, the clinical significance of this variant remains unclear.

GeneDx
Classification: Uncertain significance. Last evaluated: 2024-02-23. Review status: criteria provided, single submitter. Criteria: GeneDx Variant Classification Process June 2021. Collection method: clinical testing. Allele origin: germline. Affected: yes.
Comment: Not observed at significant frequency in large population cohorts (gnomAD); In silico analysis supports that this missense variant does not alter protein structure/function; Observed in an individual with prostate cancer (PMID: 36922933); This variant is associated with the following publications: (PMID: 36922933)

Labcorp Genetics (formerly Invitae), Labcorp
Classification: Uncertain significance for Familial cancer of breast; Fanconi anemia complementation group J. Last evaluated: 2023-09-01. Review status: criteria provided, single submitter. Criteria: Invitae Variant Classification Sherloc (09022015). Collection method: clinical testing. Allele origin: germline.
Comment: This sequence change replaces alanine, which is neutral and non-polar, with valine, which is neutral and non-polar, at codon 267 of the BRIP1 protein (p.Ala267Val). This variant is not present in population databases (gnomAD no frequency). This variant has not been reported in the literature in individuals affected with BRIP1-related conditions. ClinVar contains an entry for this variant (Variation ID: 182342). Advanced modeling of protein sequence and biophysical properties (such as structural, functional, and spatial information, amino acid conservation, physicochemical variation, residue mobility, and thermodynamic stability) performed at Invitae indicates that this missense variant is not expected to disrupt BRIP1 protein function. In summary, the available evidence is currently insufficient to determine the role of this variant in disease. Therefore, it has been classified as a Variant of Uncertain Significance.

Color Diagnostics, LLC DBA Color Health
Classification: Uncertain significance for Hereditary cancer-predisposing syndrome. Last evaluated: 2023-05-23. Review status: criteria provided, single submitter. Criteria: ACMG Guidelines, 2015. Collection method: clinical testing. Allele origin: germline.
Comment: This missense variant replaces alanine with valine at codon 267 of the BRIP1 protein. Computational prediction suggests that this variant may not impact protein structure and function (internally defined REVEL score threshold <= 0.5, PMID: 27666373). To our knowledge, functional studies have not been reported for this variant. This variant has not been reported in individuals affected with BRIP1-related disorders in the literature. This variant has not been identified in the general population by the Genome Aggregation Database (gnomAD). The available evidence is insufficient to determine the role of this variant in disease conclusively. Therefore, this variant is classified as a Variant of Uncertain Significance.